The following is an entry in ClinVar:

NM_201384.3(PLEC):c.6015G>T (p.Lys2005Asn)

Gene: PLEC (plectin; minus strand). Cytogenetic location: 8q24.3.
Variant type: single nucleotide variant.
Coding change: c.6015G>T on transcript NM_201384.3 (MANE Select); coding-DNA position 6015, G replaced by T.
Protein change: p.Lys2005Asn; replaces lysine 2005 with asparagine.
Molecular consequence: missense variant. On other transcripts: intron variant (1).
Genome position (GRCh38, 1-based): chr8:143,923,914, C>A on the plus strand (G>T on the coding strand, the complement: PLEC is on the minus strand). VCF-style: chr8-143923914-C-A. GRCh37 (hg19) VCF-style: chr8-144998082-C-A.
Other names: c.6096G>T, p.Lys2032Asn (NM_000445.5); c.5973G>T, p.Lys1991Asn (NM_201378.4); c.5949G>T, p.Lys1983Asn (NM_201379.3); c.6426G>T, p.Lys2142Asn (NM_201380.4); c.5919G>T, p.Lys1973Asn (NM_201381.3); c.6015G>T, p.Lys2005Asn (NM_201382.4); c.6027G>T, p.Lys2009Asn (NM_201383.3); c.4126-1519G>T (NM_001410941.1); short protein forms K1973N, K1983N, K1991N, K2005N, K2009N, K2032N, K2142N.
Identifiers: ClinVar variation 3753306 (VCV003753306.2).

ClinVar aggregate classification (germline): Uncertain significance (1 of 4 stars; one submission).

Conditions:
Epidermolysis bullosa simplex with nail dystrophy (EBS5D). Identifiers: MedGen C4225309, MONDO:0014661, OMIM 616487.
Epidermolysis bullosa simplex, Ogna type (EBS5A). Also called: Pidermolysis bullosa simplex 5A, Ogna type; EPIDERMOLYSIS BULLOSA SIMPLEX 5A, OGNA TYPE. Identifiers: Orphanet 79401, MedGen C0432317, MONDO:0007555, OMIM 131950.
Autosomal recessive limb-girdle muscular dystrophy type 2Q (LGMDR17). Also called: MUSCULAR DYSTROPHY, LIMB-GIRDLE, AUTOSOMAL RECESSIVE 17. Identifiers: Orphanet 254361, MedGen C3150989, MONDO:0013390, OMIM 613723.
Epidermolysis bullosa simplex 5B, with muscular dystrophy (EBS5B). Also called: EPIDERMOLYSIS BULLOSA SIMPLEX AND LIMB-GIRDLE MUSCULAR DYSTROPHY; Epidermolysis bullosa simplex with muscular dystrophy. Identifiers: Orphanet 257, MedGen C2931072, MONDO:0009181, OMIM 226670.
Epidermolysis bullosa simplex 5C, with pyloric atresia (EBS5C). Also called: PLEC-Related Epidermolysis Bullosa with Pyloric Atresia; Epidermolysis bullosa simplex with pyloric atresia; PLEC1-Related Epidermolysis Bullosa with Pyloric Atresia. Identifiers: Orphanet 158684, MedGen C2677349, MONDO:0012807, OMIM 612138.

Submission:

Labcorp Genetics (formerly Invitae), Labcorp
Classification: Uncertain significance for Autosomal recessive limb-girdle muscular dystrophy type 2Q; Epidermolysis bullosa simplex, Ogna type; Epidermolysis bullosa simplex with nail dystrophy; Epidermolysis bullosa simplex 5C, with pyloric atresia; Epidermolysis bullosa simplex 5B, with muscular dystrophy. Last evaluated: 2024-03-01. Review status: criteria provided, single submitter. Criteria: Invitae Variant Classification Sherloc (09022015). Collection method: clinical testing. Allele origin: germline.
Comment: This sequence change replaces lysine, which is basic and polar, with asparagine, which is neutral and polar, at codon 2032 of the PLEC protein (p.Lys2032Asn). This variant is not present in population databases (gnomAD no frequency). This variant has not been reported in the literature in individuals affected with PLEC-related conditions. Experimental studies and prediction algorithms are not available or were not evaluated, and the functional significance of this variant is currently unknown. In summary, the available evidence is currently insufficient to determine the role of this variant in disease. Therefore, it has been classified as a Variant of Uncertain Significance.